The following is an entry in ClinVar:

NM_007194.4(CHEK2):c.856del (p.Ile286fs)

Gene: CHEK2 (checkpoint kinase 2; minus strand). Cytogenetic location: 22q12.1.
Variant type: Deletion.
Coding change: c.856del on transcript NM_007194.4 (MANE Select); coding-DNA position 856, one base deleted (A; older notation c.856delA).
Protein change: p.Ile286fs; shifts the reading frame from isoleucine 286.
Molecular consequence: frameshift variant.
Genome position (GRCh38, 1-based): chr22:28,703,557, T deleted on the plus strand (A on the coding strand, the reverse complement: CHEK2 is on the minus strand). VCF-style (leftmost placement, unchanged base first): chr22-28703556-AT-A. GRCh37 (hg19) VCF-style: chr22-29099544-AT-A.
Other names: c.985delA, p.Ile329Serfs (NM_001005735.3); c.193delA, p.Ile65Serfs (NM_001257387.3); c.655delA, p.Ile219Serfs (NM_001349956.3); c.856delA, p.Ile286Serfs (NM_145862.3); short protein forms I286fs, I329fs, I65fs, I219fs.
Identifiers: ClinVar variation 2566533 (VCV002566533.2), dbSNP rs2517887293, ClinGen allele CA2580615492.

ClinVar aggregate classification (germline): Pathogenic (1 of 4 stars; one submission).

Conditions:
Hereditary cancer-predisposing syndrome. Also called: Neoplastic Syndromes, Hereditary; Hereditary Cancer Syndrome; Hereditary neoplastic syndrome; Tumor predisposition. Identifiers: Orphanet 140162, MedGen C0027672, MeSH D009386, MONDO:0015356.

Submission:

Ambry Genetics
Classification: Pathogenic for Hereditary cancer-predisposing syndrome. Last evaluated: 2023-04-07. Review status: criteria provided, single submitter. Criteria: Ambry Variant Classification Scheme 2023. Collection method: clinical testing. Allele origin: germline.
Comment: The c.856delA pathogenic mutation, located in coding exon 7 of the CHEK2 gene, results from a deletion of one nucleotide at nucleotide position 856, causing a translational frameshift with a predicted alternate stop codon (p.I286Sfs*18). This variant is considered to be rare based on population cohorts in the Genome Aggregation Database (gnomAD). This alteration is expected to result in loss of function by premature protein truncation or nonsense-mediated mRNA decay. As such, this alteration is interpreted as a disease-causing mutation.